The following is an entry in ClinVar:

NM_001164665.2(KIAA1549):c.3952A>G (p.Ile1318Val)

Gene: KIAA1549 (KIAA1549; minus strand). Cytogenetic location: 7q34.
Variant type: single nucleotide variant.
Coding change: c.3952A>G on transcript NM_001164665.2 (MANE Select); coding-DNA position 3952, A replaced by G.
Protein change: p.Ile1318Val; replaces isoleucine 1318 with valine.
Molecular consequence: missense variant.
Genome position (GRCh38, 1-based): chr7:138,894,422, T>C on the plus strand (A>G on the coding strand, the complement: KIAA1549 is on the minus strand). VCF-style: chr7-138894422-T-C. GRCh37 (hg19) VCF-style: chr7-138579168-T-C.
Other names: c.3952A>G, p.Ile1318Val (NM_020910.3); short protein forms I1318V.
Identifiers: ClinVar variation 1418542 (VCV001418542.8), dbSNP rs748711231, ClinGen allele CA4506058.
Genomic context (GRCh38, chr7:138,894,422, plus strand): 5'-TGGCCACAGTGTCAGGCTGAAAGTCTAGCTTGTCTGTGCGGCATAGTTTCCAGTAGAGGA[T>C]GACAACAATCACCATCACCACCAGCACTGGGATGACCACGCCAACAATGACCCACAAGTT-3'
Protein context (NP_001158137.1, residues 1308-1328): PVLVVMVIVV[Ile1318Val]LYWKLCRTDK

ClinVar aggregate classification (germline): Uncertain significance (1 of 4 stars; one submission).

Allele frequency attached by ClinVar (database versions not stated): gnomAD exomes below 0.00001 and 0.00001; TOPMed below 0.00001; ExAC 0.00001; gnomAD 0.00001.
gnomAD v4.1: 5 of 1,613,902 alleles (0.00031%); highest among the groups gnomAD compares: Non-Finnish European, 0.00042%; no homozygotes.

Submission:

Labcorp Genetics (formerly Invitae), Labcorp
Classification: Uncertain significance. Last evaluated: 2025-02-10. Review status: criteria provided, single submitter. Criteria: Invitae Variant Classification Sherloc (09022015). Collection method: clinical testing. Allele origin: germline.
Comment: This sequence change replaces isoleucine, which is neutral and non-polar, with valine, which is neutral and non-polar, at codon 1318 of the KIAA1549 protein (p.Ile1318Val). This variant is present in population databases (rs748711231, gnomAD 0.0009%). This variant has not been reported in the literature in individuals affected with KIAA1549-related conditions. ClinVar contains an entry for this variant (Variation ID: 1418542). An algorithm developed to predict the effect of missense changes on protein structure and function (PolyPhen-2) suggests that this variant is likely to be disruptive. In summary, the available evidence is currently insufficient to determine the role of this variant in disease. Therefore, it has been classified as a Variant of Uncertain Significance.